The following is an entry in ClinVar:

NM_000138.5(FBN1):c.2458G>T (p.Val820Phe)

Gene: FBN1 (fibrillin 1; minus strand). Cytogenetic location: 15q21.1.
Variant type: single nucleotide variant.
Coding change: c.2458G>T on transcript NM_000138.5 (MANE Select); coding-DNA position 2458, G replaced by T.
Protein change: p.Val820Phe; replaces valine 820 with phenylalanine.
Molecular consequence: missense variant.
Genome position (GRCh38, 1-based): chr15:48,495,550, C>A on the plus strand (G>T on the coding strand, the complement: FBN1 is on the minus strand). VCF-style: chr15-48495550-C-A. GRCh37 (hg19) VCF-style: chr15-48787747-C-A.
Other names: c.2458G>T, p.Val820Phe (NM_001406716.1); short protein forms V820F.
Identifiers: ClinVar variation 2148336 (VCV002148336.4), dbSNP rs2043600154, ClinGen allele CA392334622.

ClinVar aggregate classification (germline): Uncertain significance (1 of 4 stars; one submission).

Conditions:
Familial thoracic aortic aneurysm and aortic dissection (TAAD). Also called: Thoracic aortic aneurysms and dissections. Identifiers: Orphanet 91387, MedGen C4707243, MONDO:0019625.
Marfan syndrome (MFS). Also called: MARFAN SYNDROME, TYPE I; Marfan syndrome type 1; Marfan's syndrome; Marfan syndrome, classic; FBN1-Related Marfan Syndrome. Identifiers: Orphanet 284963, Orphanet 558, MedGen C0024796, MONDO:0007947, OMIM 154700.

Allele frequency attached by ClinVar (database versions not stated): TOPMed below 0.00001; gnomAD 0.00001.
gnomAD v4.1: 1 of 1,613,928 alleles (0.000062%); highest among the groups gnomAD compares: Non-Finnish European, 0.000085%; no homozygotes.

Submission:

Labcorp Genetics (formerly Invitae), Labcorp
Classification: Uncertain significance for Marfan syndrome; Familial thoracic aortic aneurysm and aortic dissection. Last evaluated: 2022-02-21. Review status: criteria provided, single submitter. Criteria: Invitae Variant Classification Sherloc (09022015). Collection method: clinical testing. Allele origin: germline.
Comment: This variant is not present in population databases (gnomAD no frequency). This sequence change replaces valine, which is neutral and non-polar, with phenylalanine, which is neutral and non-polar, at codon 820 of the FBN1 protein (p.Val820Phe). This variant has not been reported in the literature in individuals affected with FBN1-related conditions. In summary, the available evidence is currently insufficient to determine the role of this variant in disease. Therefore, it has been classified as a Variant of Uncertain Significance. Advanced modeling of protein sequence and biophysical properties (such as structural, functional, and spatial information, amino acid conservation, physicochemical variation, residue mobility, and thermodynamic stability) performed at Invitae indicates that this missense variant is not expected to disrupt FBN1 protein function.